The following is an entry in ClinVar:

NM_003872.3(NRP2):c.1040C>T (p.Ala347Val)

Gene: NRP2 (neuropilin 2; plus strand). Cytogenetic location: 2q33.3.
Variant type: single nucleotide variant.
Coding change: c.1040C>T on transcript NM_003872.3 (MANE Select); coding-DNA position 1040, C replaced by T.
Protein change: p.Ala347Val; replaces alanine 347 with valine.
Molecular consequence: missense variant.
Genome position (GRCh38, 1-based): chr2:205,727,940, C>T. VCF-style: chr2-205727940-C-T. GRCh37 (hg19) VCF-style: chr2-206592664-C-T.
Other names: c.1040C>T, p.Ala347Val (NM_018534.4, NM_201264.2, NM_201266.2 and 2 more transcripts); short protein forms A347V.
Identifiers: ClinVar variation 4981465 (VCV004981465.1).

ClinVar aggregate classification (germline): Uncertain significance (1 of 4 stars; one submission).

Conditions:
NRP2-related disorder. Also called: NRP2-related condition.

gnomAD v4.1: 13 of 1,614,042 alleles (0.00081%); highest among the groups gnomAD compares: East Asian, 0.0022%; no homozygotes.

Submission:

PreventionGenetics, part of Exact Sciences
Classification: Uncertain significance for NRP2-related condition. Last evaluated: 2025-10-24. Review status: criteria provided, single submitter. Criteria: ACMG Guidelines, 2015. Collection method: clinical testing. Allele origin: germline.
Comment: The NRP2 c.1040C>T variant is predicted to result in the amino acid substitution p.Ala347Val. To our knowledge, this variant has not been reported in the literature. This variant is reported in 0.0026% of alleles in individuals of European (Non-Finnish) descent in gnomAD. At this time, the clinical significance of this variant is uncertain due to the absence of conclusive functional and genetic evidence.